The following is an entry in ClinVar:

NM_024824.5(ZC3H14):c.1187C>T (p.Ala396Val)

Gene: ZC3H14 (zinc finger CCCH-type containing 14; plus strand). Cytogenetic location: 14q31.3.
Variant type: single nucleotide variant.
Coding change: c.1187C>T on transcript NM_024824.5 (MANE Select); coding-DNA position 1187, C replaced by T.
Protein change: p.Ala396Val; replaces alanine 396 with valine.
Molecular consequence: missense variant. On other transcripts: non-coding transcript variant (1), intron variant (2).
Genome position (GRCh38, 1-based): chr14:88,578,048, C>T. VCF-style: chr14-88578048-C-T. GRCh37 (hg19) VCF-style: chr14-89044392-C-T.
Other names: c.1187C>T, p.Ala396Val (NM_001160103.2, NM_001160104.2, NM_001326295.2 and 7 more transcripts); c.722C>T, p.Ala241Val (NM_001326308.2, NM_001326309.2, NM_001326311.2 and 5 more transcripts); c.1085C>T, p.Ala362Val (NM_001326315.2, NM_001326316.2, NM_001326297.2 and 3 more transcripts); c.1123+2108C>T (NM_001326313.2, NM_001326306.2); short protein forms A241V, A362V, A396V.
Identifiers: ClinVar variation 2644436 (VCV002644436.22), dbSNP rs868558374, ClinGen allele CA264550520.
Genomic context (GRCh38, chr14:88,578,048, plus strand): 5'-CACAGAAACAGACACTTCCAGTTGCTCCCAGAACTCGAACTTCTCAAGAAGAATTGCTAG[C>T]AGAAGTGGTCCAGGGACAAAGTAGGACCCCCAGAATAAGTCCCCCCATTAAAGAAGAGGA-3'
Protein context (NP_079100.2, residues 386-406): RTRTSQEELL[Ala396Val]EVVQGQSRTP

ClinVar aggregate classification (germline): Uncertain significance (1 of 4 stars; one submission).

Submission:

CeGaT Center for Human Genetics Tuebingen
Classification: Uncertain significance. Last evaluated: 2023-07-01. Review status: criteria provided, single submitter. Criteria: CeGaT Center For Human Genetics Tuebingen Variant Classification Criteria Version 2. Collection method: clinical testing. Allele origin: germline. Affected: yes. Observed: 1 variant allele.
Comment: ZC3H14: PM2, BP4